The following is an entry in ClinVar:

ClinVar aggregate classification (germline): Uncertain significance. Review status: criteria provided, multiple submitters, no conflicts (2 of 4 stars). 2 submissions from 2 submitters: Uncertain significance (2). Last evaluated 2021-09-17.

Allele frequency attached by ClinVar (database versions not stated): gnomAD 0.00001; gnomAD exomes 0.00003; TOPMed 0.00003.
gnomAD v4.1: 33 of 1,551,704 alleles (0.0021%); highest among the groups gnomAD compares: Admixed American, 0.0098%; no homozygotes.

Submissions (2):

Labcorp Genetics (formerly Invitae), Labcorp
Classification: Uncertain significance. Last evaluated: 2021-09-17. Review status: criteria provided, single submitter. Criteria: Invitae Variant Classification Sherloc (09022015). Collection method: clinical testing. Allele origin: germline.
Comment: This sequence change replaces alanine with threonine at codon 785 of the LOXHD1 protein (p.Ala785Thr). The alanine residue is weakly conserved and there is a small physicochemical difference between alanine and threonine. This variant is not present in population databases (ExAC no frequency). This variant has not been reported in the literature in individuals with LOXHD1-related conditions. ClinVar contains an entry for this variant (Variation ID: 284748). Algorithms developed to predict the effect of missense changes on protein structure and function (SIFT, PolyPhen-2, Align-GVGD) all suggest that this variant is likely to be tolerated, but these predictions have not been confirmed by published functional studies and their clinical significance is uncertain. In summary, the available evidence is currently insufficient to determine the role of this variant in disease. Therefore, it has been classified as a Variant of Uncertain Significance.

Eurofins Ntd Llc (ga)
Classification: Uncertain significance. Last evaluated: 2015-11-25. Review status: criteria provided, single submitter. Criteria: EGL Classification Definitions 2015. Collection method: clinical testing. Allele origin: germline. Observed: 1 variant allele, 1 heterozygote.

NM_001384474.1(LOXHD1):c.2353G>A (p.Ala785Thr)

Gene: LOXHD1 (lipoxygenase homology PLAT domains 1; minus strand). Cytogenetic location: 18q21.1.
Variant type: single nucleotide variant.
Coding change: c.2353G>A on transcript NM_001384474.1 (MANE Select); coding-DNA position 2353, G replaced by A.
Protein change: p.Ala785Thr; replaces alanine 785 with threonine.
Molecular consequence: missense variant.
Genome position (GRCh38, 1-based): chr18:46,566,341, C>T on the plus strand (G>A on the coding strand, the complement: LOXHD1 is on the minus strand). VCF-style: chr18-46566341-C-T. GRCh37 (hg19) VCF-style: chr18-44146304-C-T.
Other names: c.2353G>A, p.Ala785Thr (NM_144612.7); short protein forms A785T.
Identifiers: ClinVar variation 284748 (VCV000284748.6), dbSNP rs886042940, ClinGen allele CA10604896.